The following is an entry in ClinVar:

ClinVar aggregate classification (germline): Pathogenic (1 of 4 stars; one submission).

Submission:

GeneDx
Classification: Pathogenic. Last evaluated: 2025-09-01. Review status: criteria provided, single submitter. Criteria: GeneDx Variant Classification Process June 2021. Collection method: clinical testing. Allele origin: germline.
Comment: Nonsense variant predicted to result in protein truncation, as the last 3267 amino acid(s) are lost, and other loss-of-function variants have been reported downstream in HGMD; Has not been previously published as pathogenic or benign to our knowledge; This variant is associated with the following publications: (PMID: 16444271)

NM_002016.2(FLG):c.2385C>A (p.Tyr795Ter)

Genes: CCDST (cervical cancer associated DHX9 suppressive transcript; plus strand), FLG (filaggrin; minus strand). Cytogenetic location: 1q21.3.
Variant type: single nucleotide variant.
Coding change: c.2385C>A on transcript NM_002016.2 (MANE Select); coding-DNA position 2385, C replaced by A.
Protein change: p.Tyr795Ter; replaces tyrosine 795 with a stop codon.
Molecular consequence: nonsense.
Genome position (GRCh38, 1-based): chr1:152,312,501, G>T on the plus strand (C>A on the coding strand, the complement: FLG is on the minus strand). VCF-style: chr1-152312501-G-T. GRCh37 (hg19) VCF-style: chr1-152284977-G-T.
Other names: short protein forms Y795*.
Identifiers: ClinVar variation 3364324 (VCV003364324.2).